The following is an entry in ClinVar:

NM_002691.4(POLD1):c.590-7T>G

Gene: POLD1 (DNA polymerase delta 1, catalytic subunit; plus strand). Cytogenetic location: 19q13.33.
Variant type: single nucleotide variant.
Coding change: c.590-7T>G on transcript NM_002691.4 (MANE Select); 7 bases into the intron before coding-DNA position 590, T replaced by G.
Molecular consequence: intron variant.
Genome position (GRCh38, 1-based): chr19:50,402,198, T>G. VCF-style: chr19-50402198-T-G. GRCh37 (hg19) VCF-style: chr19-50905455-T-G.
Other names: c.590-7T>G (NM_001256849.1, NM_001308632.1).
Identifiers: ClinVar variation 2831118 (VCV002831118.3), dbSNP rs765627911, ClinGen allele CA2739276940.

ClinVar aggregate classification (germline): Uncertain significance (1 of 4 stars; one submission).

Conditions:
POLD1-related polyposis and colorectal cancer syndrome (CRCS10). Also called: Colorectal cancer 10; COLORECTAL CANCER, SUSCEPTIBILITY TO, ON CHROMOSOME 19q; Colorectal cancer, susceptibility to, 10. Identifiers: Orphanet 220460, MedGen C2675481, MONDO:0012953, OMIM 612591.

Submission:

Labcorp Genetics (formerly Invitae), Labcorp
Classification: Uncertain significance for POLD1-related polyposis and colorectal cancer syndrome. Last evaluated: 2023-01-22. Review status: criteria provided, single submitter. Criteria: Invitae Variant Classification Sherloc (09022015). Collection method: clinical testing. Allele origin: germline.
Comment: In summary, the available evidence is currently insufficient to determine the role of this variant in disease. Therefore, it has been classified as a Variant of Uncertain Significance. Algorithms developed to predict the effect of sequence changes on RNA splicing suggest that this variant may disrupt the consensus splice site. This variant has not been reported in the literature in individuals affected with POLD1-related conditions. This variant is not present in population databases (gnomAD no frequency). This sequence change falls in intron 5 of the POLD1 gene. It does not directly change the encoded amino acid sequence of the POLD1 protein.